The following is an entry in ClinVar:

NM_001670.3(ARVCF):c.1148A>G (p.Gln383Arg)

Gene: ARVCF (ARVCF delta catenin family member; minus strand). Cytogenetic location: 22q11.21.
Variant type: single nucleotide variant.
Coding change: c.1148A>G on transcript NM_001670.3 (MANE Select); coding-DNA position 1148, A replaced by G.
Protein change: p.Gln383Arg; replaces glutamine 383 with arginine.
Molecular consequence: missense variant.
Genome position (GRCh38, 1-based): chr22:19,979,991, T>C on the plus strand (A>G on the coding strand, the complement: ARVCF is on the minus strand). VCF-style: chr22-19979991-T-C. GRCh37 (hg19) VCF-style: chr22-19967514-T-C.
Other names: c.959A>G, p.Gln320Arg (NM_001410839.1); short protein forms Q320R, Q383R.
Identifiers: ClinVar variation 2652876 (VCV002652876.24), dbSNP rs2517631784, ClinGen allele CA410699372.

ClinVar aggregate classification (germline): Uncertain significance (1 of 4 stars; one submission).

Submission:

CeGaT Center for Human Genetics Tuebingen
Classification: Uncertain significance. Last evaluated: 2023-09-01. Review status: criteria provided, single submitter. Criteria: CeGaT Center For Human Genetics Tuebingen Variant Classification Criteria Version 2. Collection method: clinical testing. Allele origin: germline. Affected: yes. Observed: 1 variant allele.
Comment: ARVCF: PM2